The following is an entry in ClinVar:

ClinVar aggregate classification (germline): Uncertain significance (1 of 4 stars; one submission).

Conditions:
Epidermodysplasia verruciformis. Identifiers: Orphanet 302, MedGen C0014522, MONDO:0009176.

Submission:

Labcorp Genetics (formerly Invitae), Labcorp
Classification: Uncertain significance for Epidermodysplasia verruciformis. Last evaluated: 2021-09-26. Review status: criteria provided, single submitter. Criteria: Invitae Variant Classification Sherloc (09022015). Collection method: clinical testing. Allele origin: germline.
Comment: Algorithms developed to predict the effect of missense changes on protein structure and function are either unavailable or do not agree on the potential impact of this missense change (SIFT: "Not Available"; PolyPhen-2: "Probably Damaging"; Align-GVGD: "Not Available"). In summary, the available evidence is currently insufficient to determine the role of this variant in disease. Therefore, it has been classified as a Variant of Uncertain Significance. This variant has not been reported in the literature in individuals affected with TMC6-related conditions. This variant is present in population databases (rs80354176, ExAC 0.05%). This sequence change replaces lysine with threonine at codon 235 of the TMC6 protein (p.Lys235Thr). The lysine residue is moderately conserved and there is a moderate physicochemical difference between lysine and threonine.

NM_001127198.5(TMC6):c.704A>C (p.Lys235Thr)

Gene: TMC6 (transmembrane channel like 6; minus strand). Cytogenetic location: 17q25.3.
Variant type: single nucleotide variant.
Coding change: c.704A>C on transcript NM_001127198.5 (MANE Select); coding-DNA position 704, A replaced by C.
Protein change: p.Lys235Thr; replaces lysine 235 with threonine.
Molecular consequence: missense variant. On other transcripts: non-coding transcript variant (4).
Genome position (GRCh38, 1-based): chr17:78,124,711, T>G on the plus strand (A>C on the coding strand, the complement: TMC6 is on the minus strand). VCF-style: chr17-78124711-T-G. GRCh37 (hg19) VCF-style: chr17-76120792-T-G.
Other names: c.704A>C, p.Lys235Thr (NM_001374594.1, NM_001374596.1, NM_001375353.1 and 4 more transcripts); short protein forms K235T.
Identifiers: ClinVar variation 1412800 (VCV001412800.6), dbSNP rs80354176, ClinGen allele CA8796025.